The following is an entry in ClinVar:

ClinVar aggregate classification (germline): Benign. Review status: reviewed by expert panel (3 of 4 stars). 17 submissions from 17 submitters: Benign (1). 16 of the submissions do not count toward it. Last evaluated 2019-06-18.

Conditions:
Hereditary cancer-predisposing syndrome. Also called: Tumor predisposition; Neoplastic Syndromes, Hereditary; Hereditary Cancer Syndrome; Hereditary neoplastic syndrome. Identifiers: Orphanet 140162, MedGen C0027672, MeSH D009386, MONDO:0015356.
Hereditary breast ovarian cancer syndrome. Also called: Hereditary breast and ovarian cancer syndrome (HBOC); Hereditary breast and ovarian cancer syndrome; Hereditary breast and ovarian cancer; Hereditary breast and/or ovarian cancer syndrome; Breast and ovarian cancer; BRCA1- and BRCA2-Associated Hereditary Breast and Ovarian Cancer. Identifiers: Orphanet 145, MedGen C0677776, MeSH D061325, MONDO:0003582. Disease mechanism: loss of function.
Breast-ovarian cancer, familial, susceptibility to, 1 (BROVCA1). Also called: OVARIAN CANCER, SUSCEPTIBILITY TO; BRCA1 Hereditary Breast and Ovarian Cancer. Identifiers: Orphanet 145, MedGen C2676676, MONDO:0011450, OMIM 604370. Disease mechanism: loss of function.

Allele frequency attached by ClinVar (database versions not stated): TOPMed 0.00002.
gnomAD v4.1: 14 of 1,613,200 alleles (0.00087%); highest among the groups gnomAD compares: Middle Eastern, 0.049%; 1 homozygote.

Submissions (17):

Evidence-based Network for the Interpretation of Germline Mutant Alleles (ENIGMA)
Classification: Benign for Breast-ovarian cancer, familial, susceptibility to, 1. Last evaluated: 2019-06-18. Review status: reviewed by expert panel. Criteria: ENIGMA BRCA1/2 Classification Criteria (2017-06-29). Collection method: curation. Allele origin: germline.
Comment: IARC class based on posterior probability from multifactorial likelihood analysis, thresholds for class as per Plon et al. 2008 (PMID: 18951446). Class 1 based on posterior probability = 8.19E-06

Institute for Biomarker Research, Medical Diagnostic Laboratories, L.L.C.
Classification: Likely benign for Hereditary breast ovarian cancer syndrome. Last evaluated: 2026-02-02. Review status: criteria provided, single submitter. Criteria: ACMG Guidelines, 2015. Collection method: clinical testing. Allele origin: germline. Not counted in ClinVar's aggregate classification.
Comment: The missense variant NM_007294.4(BRCA1):c.1703C>T (p.Pro568Leu) has been reported to ClinVar as Benign with a status of (3 stars) reviewed by expert panel ( Type and length). There is a moderate physicochemical difference between proline and leucine. For these reasons, this variant has been classified as Likely Benign.

Labcorp Genetics (formerly Invitae), Labcorp
Classification: Likely benign for Hereditary breast ovarian cancer syndrome. Last evaluated: 2025-12-01. Review status: criteria provided, single submitter. Criteria: Invitae Variant Classification Sherloc (09022015). Collection method: clinical testing. Allele origin: germline. Not counted in ClinVar's aggregate classification.

ARUP Laboratories, Molecular Genetics and Genomics, ARUP Laboratories
Classification: Likely benign. Last evaluated: 2025-06-23. Review status: criteria provided, single submitter. Criteria: ARUP Molecular Germline Variant Investigation Process 2024. Collection method: clinical testing. Allele origin: germline. Not counted in ClinVar's aggregate classification.

Center for Genomic Medicine, Rigshospitalet, Copenhagen University Hospital
Classification: Benign. Last evaluated: 2025-03-04. Review status: criteria provided, single submitter. Criteria: ACMG Guidelines, 2015. Collection method: clinical testing. Allele origin: germline. Not counted in ClinVar's aggregate classification.

Women's Health and Genetics/Laboratory Corporation of America, LabCorp
Classification: Likely benign. Last evaluated: 2024-02-22. Review status: criteria provided, single submitter. Criteria: LabCorp Variant Classification Summary - May 2015. Collection method: clinical testing. Allele origin: germline. Not counted in ClinVar's aggregate classification.
Comment: Variant summary: BRCA1 c.1703C>T (p.Pro568Leu) results in a non-conservative amino acid change in the encoded protein sequence. Three of five in-silico tools predict a damaging effect of the variant on protein function. The variant allele was found at a frequency of 8.7e-06 in 1613200 control chromosomes in the gnomAD database, including 1 homozygotes. This frequency is not significantly higher than estimated for a pathogenic variant in BRCA1 causing Hereditary Breast And Ovarian Cancer Syndrome (8.7e-06 vs 0.001), allowing no conclusion about variant significance. c.1703C>T has been reported in the literature in individuals affected with Hereditary Breast And Ovarian Cancer Syndrome (Judkins_2005, Haffty_2009, Palomba_2009, ElSaghir_2015, Lincoln_2015, Azzollini_2016, Santonocito_2020). These reports do not provide unequivocal conclusions about association of the variant with Hereditary Breast And Ovarian Cancer Syndrome. Co-occurrences with other pathogenic variants have been reported (Azzollini_2016), providing supporting evidence for a benign role. To our knowledge, no experimental evidence demonstrating an impact on protein function has been reported. The following publications have been ascertained in the context of this evaluation (PMID: 16267036, 16518693, 15385441, 12531920, 15001988, 19619314, 19491284, 25777348, 26207792, 16931905, 27062684, 32438681). ClinVar contains an entry for this variant (Variation ID: 54329). Based on the evidence outlined above, the variant was classified as likely benign.

Quest Diagnostics Nichols Institute San Juan Capistrano
Classification: Likely benign. Last evaluated: 2023-05-09. Review status: criteria provided, single submitter. Criteria: Quest Diagnostics criteria. Collection method: clinical testing. Allele origin: unknown. Not counted in ClinVar's aggregate classification.

All of Us Research Program, National Institutes of Health
Classification: Likely benign for Breast-ovarian cancer, familial, susceptibility to, 1. Last evaluated: 2023-02-24. Review status: criteria provided, single submitter. Criteria: ACMG Guidelines, 2015. Collection method: clinical testing. Allele origin: germline. Inheritance: Autosomal dominant inheritance. Observed: 1 variant allele, 1 heterozygote. Not counted in ClinVar's aggregate classification.
Comment: This study involves interpretation of variants in research participants for the purpose of population health screening. Participant phenotype was not available at the time of variant classification. Additional details can be found in publication PMID: 35346344, PMCID: PMC8962531

Sema4
Classification: Likely benign for Hereditary cancer-predisposing syndrome. Last evaluated: 2021-06-03. Review status: criteria provided, single submitter. Criteria: Sema4 Curation Guidelines. Collection method: curation. Allele origin: germline. Not counted in ClinVar's aggregate classification.

GeneDx
Classification: Likely benign. Last evaluated: 2019-09-04. Review status: criteria provided, single submitter. Criteria: GeneDx Variant Classification Process June 2021. Collection method: clinical testing. Allele origin: germline. Affected: yes. Not counted in ClinVar's aggregate classification.
Comment: This variant is associated with the following publications: (PMID: 25777348, 19619314, 19491284, 16931905, 16267036, 16518693, 26207792, 27062684, 31131967, 33087888)

Ambry Genetics
Classification: Likely benign for Hereditary cancer-predisposing syndrome. Last evaluated: 2019-01-30. Review status: criteria provided, single submitter. Criteria: Ambry Variant Classification Scheme 2023. Collection method: clinical testing. Allele origin: germline. Not counted in ClinVar's aggregate classification.

Illumina Laboratory Services, Illumina
Classification: Uncertain significance for Breast-ovarian cancer, familial, susceptibility to, 1. Last evaluated: 2017-04-27. Review status: criteria provided, single submitter. Criteria: ICSL Variant Classification Criteria 13 December 2019. Collection method: clinical testing. Allele origin: germline. Not counted in ClinVar's aggregate classification.

Genetic Services Laboratory, University of Chicago
Classification: Uncertain significance. Last evaluated: 2017-03-14. Review status: criteria provided, single submitter. Criteria: ACMG Guidelines, 2015. Collection method: clinical testing. Allele origin: germline. Affected: no. Not counted in ClinVar's aggregate classification.

Color Diagnostics, LLC DBA Color Health
Classification: Likely benign for Hereditary cancer-predisposing syndrome. Last evaluated: 2017-03-02. Review status: criteria provided, single submitter. Criteria: ACMG Guidelines, 2015. Collection method: clinical testing. Allele origin: germline. Not counted in ClinVar's aggregate classification.

Sharing Clinical Reports Project (SCRP)
Classification: Benign for Breast-ovarian cancer, familial 1. Last evaluated: 2012-05-01. Review status: no assertion criteria provided. Collection method: clinical testing. Allele origin: germline. Not counted in ClinVar's aggregate classification.

Breast Cancer Information Core (BIC) (BRCA1)
Classification: Uncertain significance for Breast-ovarian cancer, familial 1. Last evaluated: 2002-05-29. Review status: no assertion criteria provided. Collection method: clinical testing. Allele origin: germline. Affected: yes. Observed: 8 variant alleles. Not counted in ClinVar's aggregate classification.

Department of Pathology and Laboratory Medicine, Sinai Health System
Classification: Likely benign for Breast-ovarian cancer, familial, susceptibility to, 1. Review status: no assertion criteria provided. Collection method: clinical testing. Allele origin: unknown. Affected: yes. Observed: 1 variant allele. Study: The Canadian Open Genetics Repository (COGR). Not counted in ClinVar's aggregate classification.
Comment: The BRCA1 p.Pro568Leu variant was identified in the literature in at least two individuals or families with early onset or hereditary breast cancer (Haffty 2009, Judkins 2005); however control chromosomes from healthy individuals were not assessed in these studies, thus the prevalence of the variant in the general population could not be determined. The variant was also identified in dbSNP (ID: rs80356910) â€šÃ„ÃºWith uncertain significance alleleâ€šÃ„Ã¹, the BIC database (8X with unknown clinical importance), LOVD, and UMD (1X as a class 3-UV variant). The variant was classified as a benign variant by the Sharing Clinical Reports Project (SCRP) (submitted within the ClinVar database and derived from Myriad reports) along with submission by Invitae and Ambry stating unknown significance. The p.Pro568 residue is not conserved in mammals and four out of five computational analyses (PolyPhen-2, SIFT, AlignGVGD, BLOSUM, MutationTaster) do not suggest a high likelihood of impact to the protein. In silico studies using evolutionary conservation analysis predict this variant to have no effect on the protein (Fleming 2003) or were inconclusive (Burk-Herrick 2005). In silico or computational prediction software programs (SpliceSiteFinder, MaxEntScan, NNSPLICE, GeneSplicer, HumanSpliceFinder) do not predict a difference in splicing. However, it should be noted that all of the above in silico predictions are not predictive enough to rule out pathogenicity. In summary, based on the above information, the clinical significance of this variant cannot be determined with certainty at this time although we would lean towards a more benign role for this variant. This variant is classified as predicted benign.

Literature cited by the submitters: PubMed 31131967 (cited by Evidence-based Network for the Interpretation of Germline Mutant Alleles (ENIGMA) and Quest Diagnostics Nichols Institute San Juan Capistrano); PubMed 16267036 (cited by Women's Health and Genetics/Laboratory Corporation of America, LabCorp and Quest Diagnostics Nichols Institute San Juan Capistrano); PubMed 16518693 (cited by Women's Health and Genetics/Laboratory Corporation of America, LabCorp and Quest Diagnostics Nichols Institute San Juan Capistrano); PubMed 15385441 (cited by Women's Health and Genetics/Laboratory Corporation of America, LabCorp); PubMed 12531920 (cited by Women's Health and Genetics/Laboratory Corporation of America, LabCorp); PubMed 15001988 (cited by Women's Health and Genetics/Laboratory Corporation of America, LabCorp); PubMed 19619314 (cited by 3 submitters); PubMed 19491284 (cited by 3 submitters); PubMed 25777348 (cited by Women's Health and Genetics/Laboratory Corporation of America, LabCorp); PubMed 26207792 (cited by Women's Health and Genetics/Laboratory Corporation of America, LabCorp and Quest Diagnostics Nichols Institute San Juan Capistrano); PubMed 16931905 (cited by 3 submitters); PubMed 27062684 (cited by Women's Health and Genetics/Laboratory Corporation of America, LabCorp and Quest Diagnostics Nichols Institute San Juan Capistrano); PubMed 32438681 (cited by Women's Health and Genetics/Laboratory Corporation of America, LabCorp and Quest Diagnostics Nichols Institute San Juan Capistrano); PubMed 33087888 (cited by Quest Diagnostics Nichols Institute San Juan Capistrano).

NM_007294.4(BRCA1):c.1703C>T (p.Pro568Leu)

Gene: BRCA1 (BRCA1 DNA repair associated; minus strand). Cytogenetic location: 17q21.31.
Variant type: single nucleotide variant.
Coding change: c.1703C>T on transcript NM_007294.4 (MANE Select); coding-DNA position 1703, C replaced by T.
Protein change: p.Pro568Leu; replaces proline 568 with leucine.
Molecular consequence: missense variant. On other transcripts: intron variant (137).
Genome position (GRCh38, 1-based): chr17:43,093,828, G>A on the plus strand (C>T on the coding strand, the complement: BRCA1 is on the minus strand). VCF-style: chr17-43093828-G-A. GRCh37 (hg19) VCF-style: chr17-41245845-G-A.
Other names: 1822C>T; c.664+916C>T (NM_001408430.1, NM_001408427.1, NM_001408443.1 and 12 more transcripts); c.670+2018C>T (NM_001408423.1, NM_001408420.1, NM_001408419.1 and 2 more transcripts); c.787+916C>T (NM_001408404.1, NM_001408472.1, NM_001407990.1 and 19 more transcripts); c.577+916C>T (NM_001408492.1, NM_001408513.1, NM_001408489.1 and 9 more transcripts); c.643+916C>T (NM_001408468.1, NM_001408465.1, NM_001408463.1 and 3 more transcripts); c.523+916C>T (NM_001408501.1, NM_001408500.1, NM_001408497.1 and 3 more transcripts); c.646+916C>T (NM_001408455.1, NM_001408466.1, NM_001408452.1 and 11 more transcripts); and 41 more; short protein forms P568L, P521L, P441L, P541L, P456L, P479L, P497L, P520L.
Identifiers: ClinVar variation 54329 (VCV000054329.39), dbSNP rs80356910, ClinGen allele CA001117.